The following is an entry in ClinVar:

ClinVar aggregate classification (germline): Pathogenic. Review status: criteria provided, multiple submitters, no conflicts (2 of 4 stars). 4 submissions from 4 submitters: Pathogenic (4). Last evaluated 2025-08-28.

Conditions:
Inborn genetic diseases. Identifiers: MedGen C0950123, MeSH D030342.
Kabuki syndrome. Also called: NIIKAWA-KUROKI SYNDROME; Kabuki make-up syndrome. Identifiers: Orphanet 2322, MedGen C0796004, MONDO:0016512.

Submissions (4):

GeneDx
Classification: Pathogenic. Last evaluated: 2025-08-28. Review status: criteria provided, single submitter. Criteria: GeneDx Variant Classification Process June 2021. Collection method: clinical testing. Allele origin: germline. Affected: yes.
Comment: Not observed at significant frequency in large population cohorts (gnomAD); In silico analysis supports that this missense variant has a deleterious effect on protein structure/function; This variant is associated with the following publications: (PMID: 25281733, 27302555, 33057194, 39139573, 35982159, 33314698, 30459467, 36130591, 38528056)

Labcorp Genetics (formerly Invitae), Labcorp
Classification: Pathogenic for Kabuki syndrome. Last evaluated: 2024-03-15. Review status: criteria provided, single submitter. Criteria: Invitae Variant Classification Sherloc (09022015). Collection method: clinical testing. Allele origin: germline.
Comment: This sequence change replaces arginine, which is basic and polar, with cysteine, which is neutral and slightly polar, at codon 5179 of the KMT2D protein (p.Arg5179Cys). This variant is not present in population databases (gnomAD no frequency). This missense change has been observed in individual(s) with Kabuki syndrome (PMID: 27302555, 29536651). In at least one individual the variant was observed to be de novo. ClinVar contains an entry for this variant (Variation ID: 197586). Advanced modeling of protein sequence and biophysical properties (such as structural, functional, and spatial information, amino acid conservation, physicochemical variation, residue mobility, and thermodynamic stability) performed at Invitae indicates that this missense variant is expected to disrupt KMT2D protein function with a positive predictive value of 95%. This variant disrupts the p.Arg5179 amino acid residue in KMT2D. Other variant(s) that disrupt this residue have been determined to be pathogenic (PMID: 20711175, 23913813, 25755104, 27302555). This suggests that this residue is clinically significant, and that variants that disrupt this residue are likely to be disease-causing. For these reasons, this variant has been classified as Pathogenic.

Ambry Genetics
Classification: Pathogenic for Inborn genetic diseases. Last evaluated: 2017-08-24. Review status: criteria provided, single submitter. Criteria: Ambry exome assertion method (8-5-2015). Collection method: clinical testing. Allele origin: germline. Affected: yes. Observed: 1 variant allele.

Eurofins Ntd Llc (ga)
Classification: Pathogenic. Last evaluated: 2016-07-11. Review status: criteria provided, single submitter. Criteria: EGL Classification Definitions. Collection method: clinical testing. Allele origin: germline. Observed: 1 variant allele, 1 heterozygote.

Literature cited by the submitters: PubMed 27302555 (cited by Labcorp Genetics (formerly Invitae), Labcorp and Ambry Genetics); PubMed 29536651 (cited by Labcorp Genetics (formerly Invitae), Labcorp); PubMed 20711175 (cited by Labcorp Genetics (formerly Invitae), Labcorp and Ambry Genetics); PubMed 23913813 (cited by Labcorp Genetics (formerly Invitae), Labcorp); PubMed 25755104 (cited by Labcorp Genetics (formerly Invitae), Labcorp); PubMed 25281733 (cited by Ambry Genetics).

NM_003482.4(KMT2D):c.15535C>T (p.Arg5179Cys)

Gene: KMT2D (lysine methyltransferase 2D; minus strand). Cytogenetic location: 12q13.12.
Variant type: single nucleotide variant.
Coding change: c.15535C>T on transcript NM_003482.4 (MANE Select); coding-DNA position 15535, C replaced by T.
Protein change: p.Arg5179Cys; replaces arginine 5179 with cysteine.
Molecular consequence: missense variant.
Genome position (GRCh38, 1-based): chr12:49,026,431, G>A on the plus strand (C>T on the coding strand, the complement: KMT2D is on the minus strand). VCF-style: chr12-49026431-G-A. GRCh37 (hg19) VCF-style: chr12-49420214-G-A.
Other names: short protein forms R5179C.
Identifiers: ClinVar variation 197586 (VCV000197586.15), dbSNP rs794727688, ClinGen allele CA245837.